The following is an entry in ClinVar:

NM_006831.3(CLP1):c.159_161del (p.Lys54del)

Gene: CLP1 (cleavage factor polyribonucleotide kinase subunit 1; plus strand). Cytogenetic location: 11q12.1.
Variant type: Deletion.
Coding change: c.159_161del on transcript NM_006831.3 (MANE Select); coding-DNA positions 159 to 161, 3 bases deleted (GAA; older notation c.159_161delGAA).
Protein change: p.Lys54del; deletes lysine 54.
Molecular consequence: inframe deletion.
Genome position (GRCh38, 1-based): chr11:57,659,635-57,659,637, GAA deleted; deleting any 3 consecutive bases within chr11:57,659,633-57,659,637 gives the same sequence; the c. name uses the placement nearest the transcript's 3' end. VCF-style (leftmost placement, unchanged base first): chr11-57659632-CAAG-C. GRCh37 (hg19) VCF-style: chr11-57427104-CAAG-C.
Other names: c.159_161del, p.Lys54del (NM_001142597.2); short protein forms K54del.
Identifiers: ClinVar variation 1032495 (VCV001032495.1), dbSNP rs758902215, ClinGen allele CA6008476.

ClinVar aggregate classification (germline): Uncertain significance (1 of 4 stars; one submission).

Conditions:
Pontocerebellar hypoplasia type 10. Identifiers: Orphanet 411493, MedGen C5190575, MONDO:0014349, OMIM 615803.

Submission:

Baylor Genetics
Classification: Uncertain significance for Pontocerebellar hypoplasia type 10. Last evaluated: 2018-03-27. Review status: criteria provided, single submitter. Criteria: ACMG Guidelines, 2015. Collection method: clinical testing. Allele origin: unknown. Affected: yes.
Comment: This variant was determined to be of uncertain significance according to ACMG Guidelines, 2015 [PMID:25741868].